The following is an entry in ClinVar:

ClinVar aggregate classification (germline): Likely pathogenic (1 of 4 stars; one submission).

Conditions:
Familial adenomatous polyposis 2. Also called: MUTYH Polyposis; COLORECTAL ADENOMATOUS POLYPOSIS, AUTOSOMAL RECESSIVE; ADENOMAS, MULTIPLE COLORECTAL, AUTOSOMAL RECESSIVE; MUTYH-associated polyposis; MYH-associated polyposis; MUTYH-related attenuated familial adenomatous polyposis. Identifiers: Orphanet 220460, Orphanet 247798, MedGen C3272841, MONDO:0012041, OMIM 608456.

Submission:

Labcorp Genetics (formerly Invitae), Labcorp
Classification: Likely pathogenic for Familial adenomatous polyposis 2. Last evaluated: 2022-02-22. Review status: criteria provided, single submitter. Criteria: Invitae Variant Classification Sherloc (09022015). Collection method: clinical testing. Allele origin: germline.
Comment: In summary, the currently available evidence indicates that the variant is pathogenic, but additional data are needed to prove that conclusively. Therefore, this variant has been classified as Likely Pathogenic. Algorithms developed to predict the effect of sequence changes on RNA splicing suggest that this variant may disrupt the consensus splice site. This variant has not been reported in the literature in individuals affected with MUTYH-related conditions. This variant is not present in population databases (gnomAD no frequency). This sequence change affects an acceptor splice site in intron 6 of the MUTYH gene. It is expected to disrupt RNA splicing. Variants that disrupt the donor or acceptor splice site typically lead to a loss of protein function (PMID: 16199547), and loss-of-function variants in MUTYH are known to be pathogenic (PMID: 18534194, 20663686).

Literature cited by the submitters: PubMed 16199547; PubMed 18534194; PubMed 20663686.

NM_001048174.2(MUTYH):c.421-1G>A

Gene: MUTYH (mutY DNA glycosylase; minus strand). Cytogenetic location: 1p34.1.
Variant type: single nucleotide variant.
Coding change: c.421-1G>A on transcript NM_001048174.2 (MANE Select); the canonical splice acceptor site of the intron before coding-DNA position 421, G replaced by A.
Molecular consequence: splice acceptor variant.
Genome position (GRCh38, 1-based): chr1:45,332,835, C>T on the plus strand (G>A on the coding strand, the complement: MUTYH is on the minus strand). VCF-style: chr1-45332835-C-T. GRCh37 (hg19) VCF-style: chr1-45798507-C-T.
Other names: c.421-1G>A (NM_001407072.1, NM_001407073.1, NM_001048171.2 and 6 more transcripts); c.76-1G>A (NM_001350651.2, NM_001350650.2, NM_001407082.1); c.145-1G>A (NM_001293192.2, NM_001293196.2, NM_001407091.1); c.466-1G>A (NM_001293190.2); c.454-1G>A (NM_001407069.1, NM_001407077.1, NM_001293191.2); c.496-1G>A (NM_012222.3); c.505-1G>A (NM_001128425.2); c.424-1G>A (NM_001407071.1, NM_001048172.2, NM_001407078.1 and 1 more transcripts); and 5 more.
Identifiers: ClinVar variation 2101386 (VCV002101386.4), dbSNP rs2149158986, ClinGen allele CA340135872.